The following is an entry in ClinVar:

NM_014141.6(CNTNAP2):c.293T>C (p.Ile98Thr)

Gene: CNTNAP2 (contactin associated protein 2; plus strand). Cytogenetic location: 7q35.
Variant type: single nucleotide variant.
Coding change: c.293T>C on transcript NM_014141.6 (MANE Select); coding-DNA position 293, T replaced by C.
Protein change: p.Ile98Thr; replaces isoleucine 98 with threonine.
Molecular consequence: missense variant.
Genome position (GRCh38, 1-based): chr7:146,839,795, T>C. VCF-style: chr7-146839795-T-C. GRCh37 (hg19) VCF-style: chr7-146536887-T-C.
Other names: p.I98T:ATT>ACT; short protein forms I98T.
Identifiers: ClinVar variation 205320 (VCV000205320.12), dbSNP rs146331571, ClinGen allele CA314273.
Genomic context (GRCh38, chr7:146,839,795, plus strand): 5'-ACAGCGACCATTATCAATGGCTTCAGGTTGACTTTGGCAATCGGAAGCAGATCAGTGCCA[T>C]TGCAACCCAAGGAAGGTATAGCAGCTCAGATTGGGTGACCCAATACCGGATGCTCTACAG-3'
Protein context (NP_054860.1, residues 88-108): DFGNRKQISA[Ile98Thr]ATQGRYSSSD

ClinVar aggregate classification (germline): Uncertain significance. Review status: criteria provided, multiple submitters, no conflicts (2 of 4 stars). 3 submissions from 3 submitters: Uncertain significance (3). Last evaluated 2024-10-17.

Conditions:
Inborn genetic diseases. Identifiers: MedGen C0950123, MeSH D030342.
Cortical dysplasia-focal epilepsy syndrome (PTHSL1). Also called: Pitt-Hopkins-like syndrome 1. Identifiers: Orphanet 163681, Orphanet 221150, MedGen C2750246, MONDO:0012400, OMIM 610042.

Allele frequency attached by ClinVar (database versions not stated): gnomAD 0.00001; ExAC 0.00002; TOPMed 0.00002; gnomAD exomes 0.00003 and 0.00006; ESP Exome Variant Server 0.00015.
gnomAD v4.1: 84 of 1,614,028 alleles (0.0052%); highest among the groups gnomAD compares: Non-Finnish European, 0.0064%; no homozygotes.

Submissions (3):

Labcorp Genetics (formerly Invitae), Labcorp
Classification: Uncertain significance for Cortical dysplasia-focal epilepsy syndrome. Last evaluated: 2024-10-17. Review status: criteria provided, single submitter. Criteria: Invitae Variant Classification Sherloc (09022015). Collection method: clinical testing. Allele origin: germline.
Comment: This sequence change replaces isoleucine, which is neutral and non-polar, with threonine, which is neutral and polar, at codon 98 of the CNTNAP2 protein (p.Ile98Thr). This variant is present in population databases (rs146331571, gnomAD 0.006%). This variant has not been reported in the literature in individuals affected with CNTNAP2-related conditions. ClinVar contains an entry for this variant (Variation ID: 205320). An algorithm developed to predict the effect of missense changes on protein structure and function (PolyPhen-2) suggests that this variant is likely to be disruptive. In summary, the available evidence is currently insufficient to determine the role of this variant in disease. Therefore, it has been classified as a Variant of Uncertain Significance.

Ambry Genetics
Classification: Uncertain significance for Inborn genetic diseases. Last evaluated: 2024-01-30. Review status: criteria provided, single submitter. Criteria: Ambry Variant Classification Scheme 2023. Collection method: clinical testing. Allele origin: germline.

GeneDx
Classification: Uncertain significance. Last evaluated: 2015-01-09. Review status: criteria provided, single submitter. Criteria: GeneDx Variant Classification (06012015). Collection method: clinical testing. Allele origin: germline. Affected: yes.
Comment: p.Ile98Thr (ATT>ACT): c.293 T>C in exon 3 of the CNTNAP2 gene (NM_014141.5). The I98T variant has not been published as a mutation, nor has it been reported as a benign polymorphism to our knowledge. The I98T variant was not observed with any significant frequency in approximately 6,500 individuals of European and African American ancestry in the NHLBI Exome Sequencing Project. The I98T variant is a non-conservative amino acid substitution, which is likely to impact secondary protein structure as these residues differ in polarity, charge, size and/or other properties. However, this substitution occurs at a position that is not conserved across species. In silico analysis is inconsistent in its predictions as to whether or not the variant is damaging to the protein structure/function. Therefore, based on the currently available information, it is unclear whether this variant is a pathogenic mutation or a rare benign variant. The variant is found in INFANT-EPI,EPILEPSY panel(s).